The following is an entry in ClinVar:

NM_007194.4(CHEK2):c.1036del (p.Arg346fs)

Gene: CHEK2 (checkpoint kinase 2; minus strand). Cytogenetic location: 22q12.1.
Variant type: Deletion.
Coding change: c.1036del on transcript NM_007194.4 (MANE Select); coding-DNA position 1036, one base deleted (C; older notation c.1036delC).
Protein change: p.Arg346fs; shifts the reading frame from arginine 346.
Molecular consequence: frameshift variant. On other transcripts: intron variant (3).
Genome position (GRCh38, 1-based): chr22:28,696,960, G deleted on the plus strand (C on the coding strand, the reverse complement: CHEK2 is on the minus strand); the first of 2 consecutive G bases (chr22:28,696,960-28,696,961); deleting either gives the same sequence. VCF-style (leftmost placement, unchanged base first): chr22-28696959-CG-C. GRCh37 (hg19) VCF-style: chr22-29092947-CG-C.
Other names: c.1165del, p.Arg389fs (NM_001005735.3); c.373del, p.Arg125fs (NM_001257387.3, NM_001437942.1); c.835del, p.Arg279fs (NM_001349956.3); c.1129del, p.Arg377fs (NM_001438293.1); c.1009-1087del (NM_145862.3); c.1102-1087del (NM_001438295.1); c.1138-1087del (NM_001438294.1); short protein forms R125fs, R279fs, R346fs, R389fs, R377fs.
Identifiers: ClinVar variation 2584320 (VCV002584320.2), dbSNP rs2517822468, ClinGen allele CA2582342810.
Genomic context (GRCh38, chr22:28,696,959, plus strand): 5'-ACCTTTATAAGACAGTCCTCTTCTTGAGATGACAGTAAAACATTCTCTGGCTTTAAGTCA[CG>C]GTGTATAATACCGTTTTCATGAAGGTACTACACAGAAAGGCAGGCATGACCCTCAGATTC-3'

ClinVar aggregate classification (germline): Pathogenic (1 of 4 stars; one submission).

Conditions:
Familial cancer of breast. Also called: BREAST CANCER, FAMILIAL; hereditary breast carcinoma; Hereditary breast cancer. Identifiers: Orphanet 227535, MedGen C0346153, MONDO:0016419, OMIM 114480. Disease mechanism: loss of function.

Submission:

Myriad Genetics, Inc.
Classification: Pathogenic for Familial cancer of breast. Last evaluated: 2023-06-27. Review status: criteria provided, single submitter. Criteria: Myriad Autosomal Dominant, Autosomal Recessive and X-Linked Classification Criteria (2023). Collection method: clinical testing. Allele origin: unknown.
Comment: This variant is considered pathogenic. This variant creates a frameshift predicted to result in premature protein truncation.